The following is an entry in ClinVar:

ClinVar aggregate classification (germline): Uncertain significance (1 of 4 stars; one submission).

Conditions:
Fanconi anemia (FA). Also called: Fanconi's anemia. Identifiers: Orphanet 84, MedGen C0015625, MeSH D005199, MONDO:0019391.

Allele frequency attached by ClinVar (database versions not stated): gnomAD exomes below 0.00001 and 0.00001; TOPMed below 0.00001; ExAC 0.00002.
gnomAD v4.1: 3 of 1,614,164 alleles (0.00019%); highest among the groups gnomAD compares: East Asian, 0.0022%; no homozygotes.

Submission:

Labcorp Genetics (formerly Invitae), Labcorp
Classification: Uncertain significance for Fanconi anemia. Last evaluated: 2025-01-30. Review status: criteria provided, single submitter. Criteria: Invitae Variant Classification Sherloc (09022015). Collection method: clinical testing. Allele origin: germline.
Comment: This sequence change replaces proline, which is neutral and non-polar, with leucine, which is neutral and non-polar, at codon 119 of the FANCF protein (p.Pro119Leu). This variant is present in population databases (rs760472320, gnomAD 0.006%). This variant has not been reported in the literature in individuals affected with FANCF-related conditions. ClinVar contains an entry for this variant (Variation ID: 408145). Invitae Evidence Modeling of protein sequence and biophysical properties (such as structural, functional, and spatial information, amino acid conservation, physicochemical variation, residue mobility, and thermodynamic stability) has been performed for this missense variant. However, the output from this modeling did not meet the statistical confidence thresholds required to predict the impact of this variant on FANCF protein function. In summary, the available evidence is currently insufficient to determine the role of this variant in disease. Therefore, it has been classified as a Variant of Uncertain Significance.

NM_022725.4(FANCF):c.356C>T (p.Pro119Leu)

Gene: FANCF (FA complementation group F; minus strand). Cytogenetic location: 11p14.3.
Variant type: single nucleotide variant.
Coding change: c.356C>T on transcript NM_022725.4 (MANE Select); coding-DNA position 356, C replaced by T.
Protein change: p.Pro119Leu; replaces proline 119 with leucine.
Molecular consequence: missense variant.
Genome position (GRCh38, 1-based): chr11:22,625,455, G>A on the plus strand (C>T on the coding strand, the complement: FANCF is on the minus strand). VCF-style: chr11-22625455-G-A. GRCh37 (hg19) VCF-style: chr11-22647001-G-A.
Other names: short protein forms P119L.
Identifiers: ClinVar variation 408145 (VCV000408145.10), dbSNP rs760472320, ClinGen allele CA5924361.